The following is an entry in ClinVar:

NM_000051.4(ATM):c.4265T>A (p.Ile1422Lys)

Gene: ATM (ATM serine/threonine kinase; plus strand). Cytogenetic location: 11q22.3.
Variant type: single nucleotide variant.
Coding change: c.4265T>A on transcript NM_000051.4 (MANE Select); coding-DNA position 4265, T replaced by A.
Protein change: p.Ile1422Lys; replaces isoleucine 1422 with lysine.
Molecular consequence: missense variant.
Genome position (GRCh38, 1-based): chr11:108,289,630, T>A. VCF-style: chr11-108289630-T-A. GRCh37 (hg19) VCF-style: chr11-108160357-T-A.
Other names: c.4265T>A, p.Ile1422Lys (NM_001351834.2); short protein forms I1422K.
Identifiers: ClinVar variation 2010779 (VCV002010779.5), dbSNP rs876659764, ClinGen allele CA382531182.

ClinVar aggregate classification (germline): Uncertain significance. Review status: criteria provided, multiple submitters, no conflicts (2 of 4 stars). 2 submissions from 2 submitters: Uncertain significance (2). Last evaluated 2026-08-18.

Conditions:
Hereditary cancer-predisposing syndrome. Also called: Hereditary neoplastic syndrome; Neoplastic Syndromes, Hereditary; Tumor predisposition; Hereditary Cancer Syndrome. Identifiers: Orphanet 140162, MedGen C0027672, MeSH D009386, MONDO:0015356.
Ataxia-telangiectasia syndrome (AT). Also called: Ataxia-telangiectasia, complementation group D; AT, COMPLEMENTATION GROUP C; ATAXIA-TELANGIECTASIA, COMPLEMENTATION GROUP A; ATAXIA-TELANGIECTASIA, FRESNO VARIANT; Ataxia-telangiectasia; LOUIS-BAR SYNDROME. Identifiers: Orphanet 100, MedGen C0004135, MONDO:0008840, OMIM 208900.

Submissions (2):

Ambry Genetics
Classification: Uncertain significance for Hereditary cancer-predisposing syndrome. Last evaluated: 2026-08-18. Review status: criteria provided, single submitter. Criteria: Ambry Variant Classification Scheme 2023. Collection method: clinical testing. Allele origin: germline.
Comment: The p.I1422K variant (also known as c.4265T>A), located in coding exon 28 of the ATM gene, results from a T to A substitution at nucleotide position 4265. The isoleucine at codon 1422 is replaced by lysine, an amino acid with dissimilar properties. In an assay testing ATM function, this variant showed a functionally normal result (Lee KS et al. Cell, 2025 Sep;188:5081-5099.e27). This amino acid position is not well conserved in available vertebrate species. In addition, the in silico prediction for this alteration is inconclusive. Based on the available evidence, the clinical significance of this variant remains unclear.

Labcorp Genetics (formerly Invitae), Labcorp
Classification: Uncertain significance for Ataxia-telangiectasia syndrome. Last evaluated: 2022-06-26. Review status: criteria provided, single submitter. Criteria: Invitae Variant Classification Sherloc (09022015). Collection method: clinical testing. Allele origin: germline.
Comment: In summary, the available evidence is currently insufficient to determine the role of this variant in disease. Therefore, it has been classified as a Variant of Uncertain Significance. Advanced modeling of protein sequence and biophysical properties (such as structural, functional, and spatial information, amino acid conservation, physicochemical variation, residue mobility, and thermodynamic stability) performed at Invitae indicates that this missense variant is not expected to disrupt ATM protein function. This variant has not been reported in the literature in individuals affected with ATM-related conditions. This variant is not present in population databases (gnomAD no frequency). This sequence change replaces isoleucine, which is neutral and non-polar, with lysine, which is basic and polar, at codon 1422 of the ATM protein (p.Ile1422Lys).

Literature cited by the submitters: PubMed 40580951 (cited by Ambry Genetics).